The following is an entry in ClinVar:

NM_000836.4(GRIN2D):c.2023G>A (p.Ala675Thr)

Gene: GRIN2D (glutamate ionotropic receptor NMDA type subunit 2D; plus strand). Cytogenetic location: 19q13.33.
Variant type: single nucleotide variant.
Coding change: c.2023G>A on transcript NM_000836.4 (MANE Select); coding-DNA position 2023, G replaced by A.
Protein change: p.Ala675Thr; replaces alanine 675 with threonine.
Molecular consequence: missense variant.
Genome position (GRCh38, 1-based): chr19:48,419,746, G>A. VCF-style: chr19-48419746-G-A. GRCh37 (hg19) VCF-style: chr19-48923003-G-A.
Other names: short protein forms A675T.
Identifiers: ClinVar variation 985175 (VCV000985175.6), dbSNP rs1970995171, ClinGen allele CA406698304.

ClinVar aggregate classification (germline): Conflicting classifications of pathogenicity. Review status: criteria provided, conflicting classifications (1 of 4 stars). 2 submissions from 2 submitters: Likely pathogenic (1); Uncertain significance (1). Last evaluated 2020-08-19.

Conditions:
Developmental and epileptic encephalopathy, 46 (DEE46). Also called: GRIN2D-Related Developmental and Epileptic Encephalopathy; Epileptic encephalopathy, early infantile, 46. Identifiers: MedGen C4310687, MONDO:0014947, OMIM 617162.
Inborn genetic diseases. Identifiers: MedGen C0950123, MeSH D030342.

Submissions (2):

Ambry Genetics
Classification: Uncertain significance for Inborn genetic diseases. Last evaluated: 2020-08-19. Review status: criteria provided, single submitter. Criteria: Ambry Variant Classification Scheme 2023. Collection method: clinical testing. Allele origin: germline.
Comment: The alteration results in an amino acid change:_x000D_ _x000D_ The c.2023G>A (p.A675T) alteration is located in exon 9 (coding exon 8) of the GRIN2D gene. This alteration results from a G to A substitution at nucleotide position 2023, causing the alanine (A) at amino acid position 675 to be replaced by a threonine (T). The alteration is not observed in population databases:_x000D_ _x000D_ Based on data from the Genome Aggregation Database (gnomAD), the GRIN2D c.2023G>A alteration was not observed, with coverage at this position. The amino acid change has been observed in affected individuals: _x000D_ _x000D_ This alteration was described in a patient with refractory infantile spasms, severe global developmental delay, and hypotonia (XiangWei, 2019). The altered amino acid is conserved throughout evolution:_x000D_ _x000D_ The p.A675 amino acid is conserved in available vertebrate species. The amino acid is located in a functionally important protein domain:_x000D_ _x000D_ The p.A675T amino acid is the first alanine located in the SYTANLAAF motif in the transmembrane domain M3, which has been shown to be highly conserved and is important to channel gating properties (XiangWei, 2019; Yuan, 2005). Functional analysis reveals a damaging effect of the amino acid alteration: _x000D_ _x000D_ Functional analysis demonstrated that the p.A675T alteration decreases protein surface expression and patch-clamp studies show decreased current amplitude. In addition, this alteration enhances glutamate potency in the presence of glycine and increased channel open probability (XiangWei, 2019). The alteration is predicted inconclusive by in silico modeling:_x000D_ _x000D_ The in silico prediction for the p.A675T alteration is inconclusive. Based on insufficient or conflicting evidence, the clinical significance of this alteration remains unclear.

Institute of Human Genetics, University of Leipzig Medical Center
Classification: Likely pathogenic for Developmental and epileptic encephalopathy, 46. Last evaluated: 2019-10-01. Review status: criteria provided, single submitter. Criteria: ACMG Guidelines, 2015. Collection method: research. Allele origin: germline. Affected: yes.

Literature cited by the submitters: PubMed 15970596 (cited by Ambry Genetics); PubMed 31504254 (cited by Ambry Genetics and Institute of Human Genetics, University of Leipzig Medical Center).